The following is an entry in ClinVar:

NM_024077.5(SECISBP2):c.1575G>A (p.Lys525=)

Gene: SECISBP2 (SECIS binding protein 2; plus strand). Cytogenetic location: 9q22.2.
Variant type: single nucleotide variant.
Coding change: c.1575G>A on transcript NM_024077.5 (MANE Select); coding-DNA position 1575, G replaced by A.
Protein change: p.Lys525=; no amino-acid change (lysine 525 retained).
Molecular consequence: synonymous variant.
Genome position (GRCh38, 1-based): chr9:89,347,021, G>A. VCF-style: chr9-89347021-G-A. GRCh37 (hg19) VCF-style: chr9-91961936-G-A.
Other names: c.1572G>A, p.Lys524= (NM_001282688.2); c.1356G>A, p.Lys452= (NM_001282689.2); c.1371G>A, p.Lys457= (NM_001282690.1); c.1458G>A, p.Lys486= (NM_001354696.2); c.1461G>A, p.Lys487= (NM_001354697.2); c.1368G>A, p.Lys456= (NM_001354698.2); c.690G>A, p.Lys230= (NM_001354702.2).
Identifiers: ClinVar variation 3049517 (VCV003049517.17), dbSNP rs147452931, ClinGen allele CA5117483.
Genomic context (GRCh38, chr9:89,347,021, plus strand): 5'-CAATCCCTTGGACTCCAGCGCCCCACTGATGAAGAAAGGGAAGCAGAGGGAGATCCCCAA[G>A]GCCAAGAAGCCAACCTCACTGAAGAAGGTATGTGGGGTGTTTCAGCCGAAGTGAGGCACT-3'
Protein context (NP_076982.3, residues 515-535): MKKGKQREIP[Lys525=]AKKPTSLKKI

ClinVar aggregate classification (germline): Likely benign. Review status: criteria provided, single submitter (1 of 4 stars). 2 submissions from 2 submitters: Likely benign (1). 1 of the submissions does not count toward it. Last evaluated 2024-10-01.

Conditions:
SECISBP2-related disorder. Also called: SECISBP2-related condition.

Allele frequency attached by ClinVar (database versions not stated): 1000 Genomes Project 30x 0.00016; 1000 Genomes Project 0.00020; TOPMed 0.00049; gnomAD 0.00053; gnomAD exomes 0.00062; ESP Exome Variant Server 0.00069; ExAC 0.00096.
gnomAD v4.1: 973 of 1,614,172 alleles (0.06%); highest among the groups gnomAD compares: Non-Finnish European, 0.069%; 3 homozygotes.

Submissions (2):

CeGaT Center for Human Genetics Tuebingen
Classification: Likely benign. Last evaluated: 2024-10-01. Review status: criteria provided, single submitter. Criteria: CeGaT Center For Human Genetics Tuebingen Variant Classification Criteria Version 2. Collection method: clinical testing. Allele origin: germline. Affected: yes. Observed: 2 variant alleles.
Comment: SECISBP2: BP4, BP7

PreventionGenetics, part of Exact Sciences
Classification: Likely benign for SECISBP2-related condition. Last evaluated: 2019-02-20. Review status: no assertion criteria provided. Collection method: clinical testing. Allele origin: germline. Not counted in ClinVar's aggregate classification.
Comment: This variant is classified as likely benign based on ACMG/AMP sequence variant interpretation guidelines (Richards et al. 2015 PMID: 25741868, with internal and published modifications).